The following is an entry in ClinVar:

ClinVar aggregate classification (germline): Uncertain significance (1 of 4 stars; one submission).

Conditions:
Immunodeficiency 28 (IMD28). Also called: IFNGR2 DEFICIENCY. Identifiers: Orphanet 319547, Orphanet 319574, MedGen C4013947, MONDO:0013953, OMIM 614889.

Allele frequency attached by ClinVar (database versions not stated): gnomAD exomes below 0.00001.
gnomAD v4.1: 1 of 1,613,998 alleles (0.000062%); highest among the groups gnomAD compares: Non-Finnish European, 0.000085%; no homozygotes.

Submission:

Labcorp Genetics (formerly Invitae), Labcorp
Classification: Uncertain significance for Immunodeficiency 28. Last evaluated: 2019-11-20. Review status: criteria provided, single submitter. Criteria: Invitae Variant Classification Sherloc (09022015). Collection method: clinical testing. Allele origin: germline.
Comment: This variant is not present in population databases (ExAC no frequency). In summary, the available evidence is currently insufficient to determine the role of this variant in disease. Therefore, it has been classified as a Variant of Uncertain Significance. Algorithms developed to predict the effect of missense changes on protein structure and function output the following: SIFT: "Tolerated"; PolyPhen-2: "Benign"; Align-GVGD: "Class C0". The alanine amino acid residue is found in multiple mammalian species, suggesting that this missense change does not adversely affect protein function. These predictions have not been confirmed by published functional studies and their clinical significance is uncertain. This variant has not been reported in the literature in individuals with IFNGR2-related conditions. This sequence change replaces threonine with alanine at codon 336 of the IFNGR2 protein (p.Thr336Ala). The threonine residue is weakly conserved and there is a small physicochemical difference between threonine and alanine.

NM_005534.4(IFNGR2):c.1006A>G (p.Thr336Ala)

Genes: IFNGR2 (interferon gamma receptor 2; plus strand), TMEM50B (transmembrane protein 50B; minus strand). Cytogenetic location: 21q22.11.
Variant type: single nucleotide variant.
Coding change: c.1006A>G on transcript NM_005534.4 (MANE Select); coding-DNA position 1006, A replaced by G.
Protein change: p.Thr336Ala; replaces threonine 336 with alanine.
Molecular consequence: missense variant.
Genome position (GRCh38, 1-based): chr21:33,436,954, A>G. VCF-style: chr21-33436954-A-G. GRCh37 (hg19) VCF-style: chr21-34809261-A-G.
Other names: c.1063A>G, p.Thr355Ala (NM_001329128.2); short protein forms T355A, T336A.
Identifiers: ClinVar variation 842557 (VCV000842557.10), dbSNP rs202122427, ClinGen allele CA320128484.